The following is an entry in ClinVar:

ClinVar aggregate classification (germline): Uncertain significance (1 of 4 stars; one submission).

Submission:

CeGaT Center for Human Genetics Tuebingen
Classification: Uncertain significance. Last evaluated: 2023-09-01. Review status: criteria provided, single submitter. Criteria: CeGaT Center For Human Genetics Tuebingen Variant Classification Criteria Version 2. Collection method: clinical testing. Allele origin: germline. Affected: yes. Observed: 1 variant allele.
Comment: CDK13: PM2, PP2

NM_003718.5(CDK13):c.593C>A (p.Pro198His)

Genes: CDK13 (cyclin dependent kinase 13; plus strand), LOC129998293 (ATAC-STARR-seq lymphoblastoid silent region 18116; plus strand). Cytogenetic location: 7p14.1.
Variant type: single nucleotide variant.
Coding change: c.593C>A on transcript NM_003718.5 (MANE Select); coding-DNA position 593, C replaced by A.
Protein change: p.Pro198His; replaces proline 198 with histidine.
Molecular consequence: missense variant.
Genome position (GRCh38, 1-based): chr7:39,951,234, C>A. VCF-style: chr7-39951234-C-A. GRCh37 (hg19) VCF-style: chr7-39990833-C-A.
Other names: c.593C>A, p.Pro198His (NM_031267.4); short protein forms P198H.
Identifiers: ClinVar variation 2657398 (VCV002657398.24), dbSNP rs2116058674, ClinGen allele CA367310056.